The following is an entry in ClinVar:

NM_000701.8(ATP1A1):c.998C>T (p.Pro333Leu)

Gene: ATP1A1 (ATPase Na+/K+ transporting subunit alpha 1; plus strand). Cytogenetic location: 1p13.1.
Variant type: single nucleotide variant.
Coding change: c.998C>T on transcript NM_000701.8 (MANE Select); coding-DNA position 998, C replaced by T.
Protein change: p.Pro333Leu; replaces proline 333 with leucine.
Molecular consequence: missense variant.
Genome position (GRCh38, 1-based): chr1:116,389,682, C>T. VCF-style: chr1-116389682-C-T. GRCh37 (hg19) VCF-style: chr1-116932304-C-T.
Other names: c.998C>T, p.Pro333Leu (NM_001160233.2); c.905C>T, p.Pro302Leu (NM_001160234.2); short protein forms P302L, P333L.
Identifiers: ClinVar variation 4879402 (VCV004879402.1).
Genomic context (GRCh38, chr1:116,389,682, plus strand): 5'-TTGAGTACACCTGGCTTGAGGCTGTCATCTTCCTCATCGGTATCATCGTAGCCAATGTGC[C>T]GGAAGGTTTGCTGGCCACTGTCACGGTAAGAGGCAGGTGATGGTCACCCTGACTCAGATC-3'
Protein context (NP_000692.2, residues 323-343): FLIGIIVANV[Pro333Leu]EGLLATVTVC

ClinVar aggregate classification (germline): Uncertain significance (1 of 4 stars; one submission).

Conditions:
Hypomagnesemia, seizures, and impaired intellectual development 2. Also called: Hypomagnesemia, seizures, and intellectual disability 2. Identifiers: MedGen C5193023, MONDO:0020788, OMIM 618314.

gnomAD v4.1: 1 of 1,614,160 alleles (0.000062%); highest among the groups gnomAD compares: Non-Finnish European, 0.000085%; no homozygotes.

Submission:

Institute of Human Genetics, University of Leipzig Medical Center
Classification: Uncertain significance for Hypomagnesemia, seizures, and impaired intellectual development 2. Last evaluated: 2026-07-02. Review status: criteria provided, single submitter. Criteria: ACMG Guidelines, 2015. Collection method: clinical testing. Allele origin: unknown. Inheritance: Autosomal dominant inheritance. Affected: yes.
Comment: Criteria applied: PM2_SUP,PM5_SUP,PP2,PP3